The following is an entry in ClinVar:

NM_018060.4(IARS2):c.1708C>G (p.Pro570Ala)

Gene: IARS2 (isoleucyl-tRNA synthetase 2, mitochondrial; plus strand). Cytogenetic location: 1q41.
Variant type: single nucleotide variant.
Coding change: c.1708C>G on transcript NM_018060.4 (MANE Select); coding-DNA position 1708, C replaced by G.
Protein change: p.Pro570Ala; replaces proline 570 with alanine.
Molecular consequence: missense variant.
Genome position (GRCh38, 1-based): chr1:220,125,304, C>G. VCF-style: chr1-220125304-C-G. GRCh37 (hg19) VCF-style: chr1-220298646-C-G.
Other names: short protein forms P570A.
Identifiers: ClinVar variation 1955280 (VCV001955280.5), dbSNP rs2528549060, ClinGen allele CA344639018.

ClinVar aggregate classification (germline): Uncertain significance (1 of 4 stars; one submission).

Submission:

Labcorp Genetics (formerly Invitae), Labcorp
Classification: Uncertain significance. Last evaluated: 2022-01-01. Review status: criteria provided, single submitter. Criteria: Invitae Variant Classification Sherloc (09022015). Collection method: clinical testing. Allele origin: germline.
Comment: In summary, the available evidence is currently insufficient to determine the role of this variant in disease. Therefore, it has been classified as a Variant of Uncertain Significance. Algorithms developed to predict the effect of missense changes on protein structure and function output the following: SIFT: "Tolerated"; PolyPhen-2: "Benign"; Align-GVGD: "Class C0". The alanine amino acid residue is found in multiple mammalian species, which suggests that this missense change does not adversely affect protein function. This variant has not been reported in the literature in individuals affected with IARS2-related conditions. This variant is not present in population databases (gnomAD no frequency). This sequence change replaces proline, which is neutral and non-polar, with alanine, which is neutral and non-polar, at codon 570 of the IARS2 protein (p.Pro570Ala).